The following is an entry in ClinVar:

NM_139343.3(BIN1):c.961G>A (p.Gly321Arg)

Gene: BIN1 (bridging integrator 1; minus strand). Cytogenetic location: 2q14.3.
Variant type: single nucleotide variant.
Coding change: c.961G>A on transcript NM_139343.3 (MANE Select); coding-DNA position 961, G replaced by A.
Protein change: p.Gly321Arg; replaces glycine 321 with arginine.
Molecular consequence: missense variant.
Genome position (GRCh38, 1-based): chr2:127,059,052, C>T on the plus strand (G>A on the coding strand, the complement: BIN1 is on the minus strand). VCF-style: chr2-127059052-C-T. GRCh37 (hg19) VCF-style: chr2-127816628-C-T.
Other names: c.913G>A, p.Gly305Arg (NM_001320632.2, NM_004305.4, NM_139346.3); c.961G>A, p.Gly321Arg (NM_001320633.2, NM_001320640.2, NM_139344.3 and 1 more transcripts); c.796G>A, p.Gly266Arg (NM_001320634.1); c.868G>A, p.Gly290Arg (NM_001320641.2, NM_139347.3, NM_139348.3 and 3 more transcripts); c.880G>A, p.Gly294Arg (NM_001320642.1); short protein forms G321R, G266R, G305R, G290R, G294R.
Identifiers: ClinVar variation 331052 (VCV000331052.18), dbSNP rs557276019, ClinGen allele CA1857225.

ClinVar aggregate classification (germline): Uncertain significance. Review status: criteria provided, multiple submitters, no conflicts (2 of 4 stars). 5 submissions from 5 submitters: Uncertain significance (5). Last evaluated 2025-10-01.

Conditions:
Inborn genetic diseases. Identifiers: MedGen C0950123, MeSH D030342.
Myopathy, centronuclear, 2 (CNM2). Also called: MYOTUBULAR MYOPATHY, AUTOSOMAL RECESSIVE. Identifiers: Orphanet 169186, MedGen CN031787, MONDO:0009709, OMIM 255200.

Allele frequency attached by ClinVar (database versions not stated): gnomAD 0.00022 and 0.00021; gnomAD exomes 0.00003; ExAC 0.00012; TOPMed 0.00039; 1000 Genomes Project 30x 0.00047; 1000 Genomes Project 0.00040.
gnomAD v4.1: 88 of 1,572,148 alleles (0.0056%); highest among the groups gnomAD compares: Admixed American, 0.071%; no homozygotes.

Submissions (5):

Labcorp Genetics (formerly Invitae), Labcorp
Classification: Uncertain significance for Myopathy, centronuclear, 2. Last evaluated: 2025-10-01. Review status: criteria provided, single submitter. Criteria: Invitae Variant Classification Sherloc (09022015). Collection method: clinical testing. Allele origin: germline.
Comment: This sequence change replaces glycine, which is neutral and non-polar, with arginine, which is basic and polar, at codon 321 of the BIN1 protein (p.Gly321Arg). This variant is present in population databases (rs557276019, gnomAD 0.01%). This variant has not been reported in the literature in individuals affected with BIN1-related conditions. ClinVar contains an entry for this variant (Variation ID: 331052). An algorithm developed to predict the effect of missense changes on protein structure and function (PolyPhen-2) suggests that this variant is likely to be tolerated. In summary, the available evidence is currently insufficient to determine the role of this variant in disease. Therefore, it has been classified as a Variant of Uncertain Significance.

Ambry Genetics
Classification: Uncertain significance for Inborn genetic diseases. Last evaluated: 2021-10-06. Review status: criteria provided, single submitter. Criteria: Ambry Variant Classification Scheme 2023. Collection method: clinical testing. Allele origin: germline.

GeneDx
Classification: Uncertain significance. Last evaluated: 2019-08-07. Review status: criteria provided, single submitter. Criteria: GeneDx Variant Classification Process June 2021. Collection method: clinical testing. Allele origin: germline. Affected: yes.
Comment: In silico analysis, which includes protein predictors and evolutionary conservation, supports that this variant does not alter protein structure/function; Has not been previously published as pathogenic or benign to our knowledge

Revvity Omics, Revvity
Classification: Uncertain significance for Myopathy, centronuclear, 2. Last evaluated: 2019-06-24. Review status: criteria provided, single submitter. Criteria: ACMG Guidelines, 2015. Collection method: clinical testing. Allele origin: germline.

Illumina Laboratory Services, Illumina
Classification: Uncertain significance for Myopathy, centronuclear, 2. Last evaluated: 2018-01-13. Review status: criteria provided, single submitter. Criteria: ICSL Variant Classification Criteria 13 December 2019. Collection method: clinical testing. Allele origin: germline.